The following is an entry in ClinVar:

NM_182972.3(IRF2BP2):c.805C>T (p.Pro269Ser)

Gene: IRF2BP2 (interferon regulatory factor 2 binding protein 2; minus strand). Cytogenetic location: 1q42.3.
Variant type: single nucleotide variant.
Coding change: c.805C>T on transcript NM_182972.3 (MANE Select); coding-DNA position 805, C replaced by T.
Protein change: p.Pro269Ser; replaces proline 269 with serine.
Molecular consequence: missense variant.
Genome position (GRCh38, 1-based): chr1:234,608,690, G>A on the plus strand (C>T on the coding strand, the complement: IRF2BP2 is on the minus strand). VCF-style: chr1-234608690-G-A. GRCh37 (hg19) VCF-style: chr1-234744436-G-A.
Other names: c.805C>T, p.Pro269Ser (NM_001077397.1); c.805C>T (NM_182972.2); short protein forms P269S.
Identifiers: ClinVar variation 1449743 (VCV001449743.7), dbSNP rs1370630852, ClinGen allele CA345308365.

ClinVar aggregate classification (germline): Uncertain significance. Review status: criteria provided, multiple submitters, no conflicts (2 of 4 stars). 2 submissions from 2 submitters: Uncertain significance (2). Last evaluated 2025-06-07.

Allele frequency attached by ClinVar (database versions not stated): TOPMed below 0.00001; gnomAD 0.00001.

Submissions (2):

Ambry Genetics
Classification: Uncertain significance. Last evaluated: 2025-06-07. Review status: criteria provided, single submitter. Criteria: Ambry Variant Classification Scheme 2023. Collection method: clinical testing. Allele origin: germline.

Labcorp Genetics (formerly Invitae), Labcorp
Classification: Uncertain significance. Last evaluated: 2025-02-24. Review status: criteria provided, single submitter. Criteria: Invitae Variant Classification Sherloc (09022015). Collection method: clinical testing. Allele origin: germline.
Comment: This sequence change replaces proline, which is neutral and non-polar, with serine, which is neutral and polar, at codon 269 of the IRF2BP2 protein (p.Pro269Ser). This variant is not present in population databases (gnomAD no frequency). This variant has not been reported in the literature in individuals affected with IRF2BP2-related conditions. ClinVar contains an entry for this variant (Variation ID: 1449743). An algorithm developed to predict the effect of missense changes on protein structure and function (PolyPhen-2) suggests that this variant is likely to be tolerated. In summary, the available evidence is currently insufficient to determine the role of this variant in disease. Therefore, it has been classified as a Variant of Uncertain Significance.